The following is an entry in ClinVar:

NM_032043.3(BRIP1):c.2254A>C (p.Lys752Gln)

Gene: BRIP1 (BRCA1 interacting DNA helicase 1; minus strand). Cytogenetic location: 17q23.2.
Variant type: single nucleotide variant.
Coding change: c.2254A>C on transcript NM_032043.3 (MANE Select); coding-DNA position 2254, A replaced by C.
Protein change: p.Lys752Gln; replaces lysine 752 with glutamine.
Molecular consequence: missense variant.
Genome position (GRCh38, 1-based): chr17:61,744,435, T>G on the plus strand (A>C on the coding strand, the complement: BRIP1 is on the minus strand). VCF-style: chr17-61744435-T-G. GRCh37 (hg19) VCF-style: chr17-59821796-T-G.
Other names: short protein forms K752Q.
Identifiers: ClinVar variation 232254 (VCV000232254.21), dbSNP rs876659651, ClinGen allele CA10580811.

ClinVar aggregate classification (germline): Uncertain significance. Review status: criteria provided, multiple submitters, no conflicts (2 of 4 stars). 5 submissions from 5 submitters: Uncertain significance (5). Last evaluated 2025-09-24.

Conditions:
Familial ovarian cancer. Identifiers: MedGen C5679802, MONDO:0016248.
Hereditary cancer-predisposing syndrome. Also called: Hereditary Cancer Syndrome; Neoplastic Syndromes, Hereditary; Tumor predisposition; Hereditary neoplastic syndrome. Identifiers: Orphanet 140162, MedGen C0027672, MeSH D009386, MONDO:0015356.
Fanconi anemia complementation group J. Also called: BRIP1-Related Fanconi Anemia. Identifiers: Orphanet 84, MedGen C1836860, MONDO:0012187, OMIM 609054.
Familial cancer of breast. Also called: Hereditary breast cancer; hereditary breast carcinoma; BREAST CANCER, FAMILIAL. Identifiers: Orphanet 227535, MedGen C0346153, MONDO:0016419, OMIM 114480. Disease mechanism: loss of function.

Allele frequency attached by ClinVar (database versions not stated): gnomAD exomes below 0.00001.
gnomAD v4.1: 6 of 1,613,744 alleles (0.00037%); highest among the groups gnomAD compares: Non-Finnish European, 0.00051%; no homozygotes.

Submissions (5):

Labcorp Genetics (formerly Invitae), Labcorp
Classification: Uncertain significance for Familial cancer of breast; Fanconi anemia complementation group J. Last evaluated: 2025-09-24. Review status: criteria provided, single submitter. Criteria: Invitae Variant Classification Sherloc (09022015). Collection method: clinical testing. Allele origin: germline.
Comment: This sequence change replaces lysine, which is basic and polar, with glutamine, which is neutral and polar, at codon 752 of the BRIP1 protein (p.Lys752Gln). This variant is not present in population databases (gnomAD no frequency). This missense change has been observed in individual(s) with pancreatic cancer (PMID: 35171259). ClinVar contains an entry for this variant (Variation ID: 232254). Invitae Evidence Modeling of protein sequence and biophysical properties (such as structural, functional, and spatial information, amino acid conservation, physicochemical variation, residue mobility, and thermodynamic stability) has been performed for this missense variant. However, the output from this modeling did not meet the statistical confidence thresholds required to predict the impact of this variant on BRIP1 protein function. In summary, the available evidence is currently insufficient to determine the role of this variant in disease. Therefore, it has been classified as a Variant of Uncertain Significance.

Molecular Pathology, Peter Maccallum Cancer Centre
Classification: Uncertain significance for Familial ovarian cancer. Last evaluated: 2025-01-22. Review status: criteria provided, single submitter. Criteria: ACMG Guidelines, 2015. Collection method: clinical testing. Allele origin: germline. Inheritance: Autosomal dominant inheritance.

Ambry Genetics
Classification: Uncertain significance for Hereditary cancer-predisposing syndrome. Last evaluated: 2023-09-27. Review status: criteria provided, single submitter. Criteria: Ambry Variant Classification Scheme 2023. Collection method: clinical testing. Allele origin: germline.
Comment: The p.K752Q variant (also known as c.2254A>C), located in coding exon 14 of the BRIP1 gene, results from an A to C substitution at nucleotide position 2254. The lysine at codon 752 is replaced by glutamine, an amino acid with similar properties. This amino acid position is not well conserved in available vertebrate species. In addition, this alteration is predicted to be tolerated by in silico analysis. Since supporting evidence is limited at this time, the clinical significance of this alteration remains unclear.

GeneDx
Classification: Uncertain significance. Last evaluated: 2021-06-30. Review status: criteria provided, single submitter. Criteria: GeneDx Variant Classification Process June 2021. Collection method: clinical testing. Allele origin: germline. Affected: yes.
Comment: Not observed at significant frequency in large population cohorts (Lek 2016); In silico analysis supports that this missense variant does not alter protein structure/function; Has not been previously published as pathogenic or benign to our knowledge; This variant is associated with the following publications: (PMID: 27535533, 11301010)

Color Diagnostics, LLC DBA Color Health
Classification: Uncertain significance for Hereditary cancer-predisposing syndrome. Last evaluated: 2019-03-16. Review status: criteria provided, single submitter. Criteria: ACMG Guidelines, 2015. Collection method: clinical testing. Allele origin: germline.

Literature cited by the submitters: PubMed 35171259 (cited by Labcorp Genetics (formerly Invitae), Labcorp).